The following is an entry in ClinVar:

NM_000486.6(AQP2):c.*530C>T

Genes: AQP2 (aquaporin 2; plus strand), AQP5-AS1 (AQP5 and AQP2 antisense RNA 2; minus strand). Cytogenetic location: 12q13.12.
Variant type: single nucleotide variant.
Coding change: c.*530C>T on transcript NM_000486.6 (MANE Select); 530 bases downstream of the stop codon, C replaced by T.
Molecular consequence: 3 prime UTR variant.
Genome position (GRCh38, 1-based): chr12:49,956,138, C>T. VCF-style: chr12-49956138-C-T. GRCh37 (hg19) VCF-style: chr12-50349921-C-T.
Identifiers: ClinVar variation 882632 (VCV000882632.4), dbSNP rs74091160, ClinGen allele CA236736674.
Genomic context (GRCh38, chr12:49,956,138, plus strand): 5'-GAACAGGTTTGCCTACGTTGGTGCAAGTGTGCATGGCTGGGGACTTCTCACTTCCCCTTG[C>T]ACCCCTTCCTCCCCAACCTGCAATAAATCCGCTTCTCCTGCAGTGGATGAGTGTGGGTGC-3'

ClinVar aggregate classification (germline): Benign (1 of 4 stars; one submission).

Conditions:
Diabetes insipidus, nephrogenic, autosomal (NDI2). Also called: Diabetes insipidus, nephrogenic, 2, autosomal; Nephrogenic Diabetes Insipidus, Type II. Identifiers: Orphanet 223, MedGen C1563706, MONDO:0007451, OMIM 125800.

Allele frequency attached by ClinVar (database versions not stated): gnomAD exomes 0.00073; gnomAD 0.00546 and 0.00589; 1000 Genomes Project 0.00599; 1000 Genomes Project 30x 0.00609; TOPMed 0.00620.

Submission:

Illumina Laboratory Services, Illumina
Classification: Benign for Diabetes insipidus, nephrogenic, autosomal. Last evaluated: 2018-01-12. Review status: criteria provided, single submitter. Criteria: ICSL Variant Classification Criteria 13 December 2019. Collection method: clinical testing. Allele origin: germline.
Comment: This variant was observed in the ICSL laboratory as part of a predisposition screen in an ostensibly healthy population. It had not been previously curated by ICSL or reported in the Human Gene Mutation Database (HGMD: prior to June 1st, 2018), and was therefore a candidate for classification through an automated scoring system. Utilizing variant allele frequency, disease prevalence and penetrance estimates, and inheritance mode, an automated score was calculated to assess if this variant is too frequent to cause the disease. Based on the score and internal cut-off values, a variant classified as benign is not then subjected to further curation. The score for this variant resulted in a classification of benign for this disease.